The following is an entry in ClinVar:

ClinVar aggregate classification (germline): Benign (1 of 4 stars; one submission).

Conditions:
Exudative vitreoretinopathy 5 (EVR5). Identifiers: Orphanet 891, MedGen C2750079, MONDO:0013218, OMIM 613310.

Allele frequency attached by ClinVar (database versions not stated): gnomAD 0.00150 and 0.00208; TOPMed 0.00253; 1000 Genomes Project 0.00739; 1000 Genomes Project 30x 0.00843.

Submission:

Illumina Laboratory Services, Illumina
Classification: Benign for Exudative vitreoretinopathy 5. Last evaluated: 2018-01-13. Review status: criteria provided, single submitter. Criteria: ICSL Variant Classification Criteria 13 December 2019. Collection method: clinical testing. Allele origin: germline.
Comment: This variant was observed in the ICSL laboratory as part of a predisposition screen in an ostensibly healthy population. It had not been previously curated by ICSL or reported in the Human Gene Mutation Database (HGMD: prior to June 1st, 2018), and was therefore a candidate for classification through an automated scoring system. Utilizing variant allele frequency, disease prevalence and penetrance estimates, and inheritance mode, an automated score was calculated to assess if this variant is too frequent to cause the disease. Based on the score and internal cut-off values, a variant classified as benign is not then subjected to further curation. The score for this variant resulted in a classification of benign for this disease.

NM_012338.4(TSPAN12):c.*1139A>T

Gene: TSPAN12 (tetraspanin 12; minus strand). Cytogenetic location: 7q31.31.
Variant type: single nucleotide variant.
Coding change: c.*1139A>T on transcript NM_012338.4 (MANE Select); 1139 bases downstream of the stop codon, A replaced by T.
Molecular consequence: 3 prime UTR variant.
Genome position (GRCh38, 1-based): chr7:120,787,453, T>A on the plus strand (A>T on the coding strand, the complement: TSPAN12 is on the minus strand). VCF-style: chr7-120787453-T-A. GRCh37 (hg19) VCF-style: chr7-120427507-T-A.
Identifiers: ClinVar variation 358753 (VCV000358753.5), dbSNP rs192303288, ClinGen allele CA10628078.